The following is an entry in ClinVar:

ClinVar aggregate classification (germline): Pathogenic (1 of 4 stars; one submission).

Conditions:
Beta-D-mannosidosis (MANSB). Also called: Beta-Mannosidosis; MANNOSIDOSIS, BETA A, LYSOSOMAL; BETA-MANNOSIDASE DEFICIENCY; LYSOSOMAL BETA-MANNOSIDASE DEFICIENCY. Identifiers: Orphanet 118, MedGen C4048196, MONDO:0009562, OMIM 248510.

Submission:

Labcorp Genetics (formerly Invitae), Labcorp
Classification: Pathogenic for Beta-D-mannosidosis. Last evaluated: 2023-06-25. Review status: criteria provided, single submitter. Criteria: Invitae Variant Classification Sherloc (09022015). Collection method: clinical testing. Allele origin: germline.
Comment: For these reasons, this variant has been classified as Pathogenic. This variant has not been reported in the literature in individuals affected with MANBA-related conditions. This variant is present in population databases (no rsID available, gnomAD 0.007%). This sequence change creates a premature translational stop signal (p.Ala549Leufs*18) in the MANBA gene. It is expected to result in an absent or disrupted protein product. Loss-of-function variants in MANBA are known to be pathogenic (PMID: 9384606, 12468273).

Literature cited by the submitters: PubMed 9384606; PubMed 12468273.

NM_005908.4(MANBA):c.1644del (p.Ala549fs)

Gene: MANBA (mannosidase beta; minus strand). Cytogenetic location: 4q24.
Variant type: Deletion.
Coding change: c.1644del on transcript NM_005908.4 (MANE Select); coding-DNA position 1644, one base deleted (A; older notation c.1644delA).
Protein change: p.Ala549fs; shifts the reading frame from alanine 549.
Molecular consequence: frameshift variant.
Genome position (GRCh38, 1-based): chr4:102,657,742, T deleted on the plus strand (A on the coding strand, the reverse complement: MANBA is on the minus strand); the first of 4 consecutive T bases (chr4:102,657,742-102,657,745); deleting any one gives the same sequence. VCF-style (leftmost placement, unchanged base first): chr4-102657741-CT-C. GRCh37 (hg19) VCF-style: chr4-103578898-CT-C.
Other names: short protein forms A549fs.
Identifiers: ClinVar variation 2728766 (VCV002728766.3), dbSNP rs1560752842, ClinGen allele CA554048668.